The following is an entry in ClinVar:

NM_000321.3(RB1):c.2761G>A (p.Asp921Asn)

Gene: RB1 (RB transcriptional corepressor 1; plus strand). Cytogenetic location: 13q14.2.
Variant type: single nucleotide variant.
Coding change: c.2761G>A on transcript NM_000321.3 (MANE Select); coding-DNA position 2761, G replaced by A.
Protein change: p.Asp921Asn; replaces aspartic acid 921 with asparagine.
Molecular consequence: missense variant.
Genome position (GRCh38, 1-based): chr13:48,480,045, G>A. VCF-style: chr13-48480045-G-A. GRCh37 (hg19) VCF-style: chr13-49054181-G-A.
Other names: short protein forms D921N.
Identifiers: ClinVar variation 860997 (VCV000860997.10), dbSNP rs1949528654, ClinGen allele CA388158507.

ClinVar aggregate classification (germline): Uncertain significance. Review status: criteria provided, multiple submitters, no conflicts (2 of 4 stars). 3 submissions from 3 submitters: Uncertain significance (3). Last evaluated 2025-06-23.

Conditions:
Retinoblastoma (RB1). Also called: RETINOBLASTOMA, SOMATIC. Identifiers: Orphanet 790, MedGen C0035335, MeSH D012175, MONDO:0008380, OMIM 180200, HP:0009919. Disease mechanism: loss of function. Inheritance: Both sporadic and heritable forms are tested..
Hereditary cancer-predisposing syndrome. Also called: Tumor predisposition; Hereditary neoplastic syndrome; Neoplastic Syndromes, Hereditary; Hereditary Cancer Syndrome. Identifiers: Orphanet 140162, MedGen C0027672, MeSH D009386, MONDO:0015356.

Allele frequency attached by ClinVar (database versions not stated): gnomAD exomes below 0.00001.
gnomAD v4.1: 1 of 1,613,324 alleles (0.000062%); highest among the groups gnomAD compares: Non-Finnish European, 0.000085%; no homozygotes.

Submissions (3):

Color Diagnostics, LLC DBA Color Health
Classification: Uncertain significance for Retinoblastoma. Last evaluated: 2025-06-23. Review status: criteria provided, single submitter. Criteria: ACMG Guidelines, 2015. Collection method: clinical testing. Allele origin: germline.
Comment: This missense variant replaces aspartic acid with asparagine at codon 921 of the RB1 protein. Computational prediction suggests that this variant may not impact protein structure and function. To our knowledge, functional studies have not been reported for this variant. This variant has not been reported in individuals affected with RB1-related disorders in the literature. This variant has not been identified in the general population by the Genome Aggregation Database (gnomAD). The available evidence is insufficient to determine the role of this variant in disease conclusively. Therefore, this variant is classified as a Variant of Uncertain Significance.

Ambry Genetics
Classification: Uncertain significance for Hereditary cancer-predisposing syndrome. Last evaluated: 2024-12-02. Review status: criteria provided, single submitter. Criteria: Ambry Variant Classification Scheme 2023. Collection method: clinical testing. Allele origin: germline.
Comment: The p.D921N variant (also known as c.2761G>A), located in coding exon 27 of the RB1 gene, results from a G to A substitution at nucleotide position 2761. The aspartic acid at codon 921 is replaced by asparagine, an amino acid with highly similar properties. This amino acid position is well conserved in available vertebrate species. In addition, this alteration is predicted to be tolerated by in silico analysis. Based on the available evidence, the clinical significance of this variant remains unclear.

Labcorp Genetics (formerly Invitae), Labcorp
Classification: Uncertain significance for Retinoblastoma. Last evaluated: 2020-02-04. Review status: criteria provided, single submitter. Criteria: Invitae Variant Classification Sherloc (09022015). Collection method: clinical testing. Allele origin: germline.
Comment: In summary, the available evidence is currently insufficient to determine the role of this variant in disease. Therefore, it has been classified as a Variant of Uncertain Significance. Algorithms developed to predict the effect of missense changes on protein structure and function are either unavailable or do not agree on the potential impact of this missense change (SIFT: "Deleterious"; PolyPhen-2: "Possibly Damaging"; Align-GVGD: "Class C0"). This variant has not been reported in the literature in individuals with RB1-related conditions. This variant is not present in population databases (ExAC no frequency). This sequence change replaces aspartic acid with asparagine at codon 921 of the RB1 protein (p.Asp921Asn). The aspartic acid residue is highly conserved and there is a small physicochemical difference between aspartic acid and asparagine.